The following is an entry in ClinVar:

ClinVar aggregate classification (germline): Uncertain significance. Review status: criteria provided, multiple submitters, no conflicts (2 of 4 stars). 4 submissions from 4 submitters: Uncertain significance (4). Last evaluated 2026-03-18.

Conditions:
Inborn genetic diseases. Identifiers: MedGen C0950123, MeSH D030342.
LRSAM1-related disorder. Also called: LRSAM1-related condition.
Charcot-Marie-Tooth disease axonal type 2P. Also called: Charcot-Marie-Tooth Neuropathy Type 2G; CHARCOT-MARIE-TOOTH NEUROPATHY, TYPE 2P; CHARCOT-MARIE-TOOTH DISEASE, AXONAL, TYPE 2G; CMT 2G. Identifiers: Orphanet 300319, Orphanet 99941, MedGen C3280797, MONDO:0013753, OMIM 614436.

Allele frequency attached by ClinVar (database versions not stated): gnomAD exomes 0.00007 and 0.00003; ExAC 0.00008; gnomAD 0.00030 and 0.00035.

Submissions (4):

PreventionGenetics, part of Exact Sciences
Classification: Uncertain significance for LRSAM1-related condition. Last evaluated: 2026-03-18. Review status: criteria provided, single submitter. Criteria: ACMG Guidelines, 2015. Collection method: clinical testing. Allele origin: germline.
Comment: The LRSAM1 c.21_41dup21 variant is predicted to result in an in-frame duplication (p.Pro10_Lys16dup). To our knowledge, this variant has not been reported in the literature. This variant is reported in 0.10% of alleles in individuals of African descent in gnomAD. At this time, the clinical significance of this variant is uncertain due to the absence of conclusive functional and genetic evidence.

Labcorp Genetics (formerly Invitae), Labcorp
Classification: Uncertain significance for Charcot-Marie-Tooth disease axonal type 2P. Last evaluated: 2026-01-05. Review status: criteria provided, single submitter. Criteria: Invitae Variant Classification Sherloc (09022015). Collection method: clinical testing. Allele origin: germline.
Comment: This variant, c.21_41dup, results in the insertion of 7 amino acid(s) of the LRSAM1 protein (p.Pro10_Lys16dup), but otherwise preserves the integrity of the reading frame. This variant is present in population databases (rs760944483, gnomAD 0.1%). This variant has not been reported in the literature in individuals affected with LRSAM1-related conditions. ClinVar contains an entry for this variant (Variation ID: 961151). In summary, the available evidence is currently insufficient to determine the role of this variant in disease. Therefore, it has been classified as a Variant of Uncertain Significance.

GeneDx
Classification: Uncertain significance. Last evaluated: 2023-03-14. Review status: criteria provided, single submitter. Criteria: GeneDx Variant Classification Process June 2021. Collection method: clinical testing. Allele origin: germline. Affected: yes.
Comment: In-frame duplication of seven amino acids in a non-repeat region; Has not been previously published as pathogenic or benign to our knowledge

Ambry Genetics
Classification: Uncertain significance for Inborn genetic diseases. Last evaluated: 2021-12-20. Review status: criteria provided, single submitter. Criteria: Ambry Variant Classification Scheme 2023. Collection method: clinical testing. Allele origin: germline.
Comment: The c.21_41dup21 variant (also known as p.K16_R17insRKPSEEA), located in coding exon 1 of the LRSAM1 gene, results from an in-frame insertion of GCGGAAACCCAGTGAGGAGGC due to the duplication of nucleotides 21 through 41. This results in the insertion of 7 extra residues (RKPSEEA) between codon 16 and codon 17. This amino acid region is not well conserved in available vertebrate species. In addition, this alteration is predicted to be deleterious by in silico analysis (Choi Y et al. PLoS ONE. 2012; 7(10):e46688). Based on the supporting evidence, this variant is unlikely to be causative of autosomal dominant Charcot-Marie-Tooth disease, type 2P (CMT2P); however, its contribution to the development of autosomal recessive Charcot-Marie-Tooth disease, type 2P (CMT2P) is uncertain.

NM_001005373.4(LRSAM1):c.21_41dup (p.Pro10_Lys16dup)

Gene: LRSAM1 (leucine rich repeat and sterile alpha motif containing 1; plus strand). Cytogenetic location: 9q33.3.
Variant type: Duplication.
Coding change: c.21_41dup on transcript NM_001005373.4 (MANE Select); coding-DNA positions 21 to 41, 21 bases duplicated (GCGGAAACCCAGTGAGGAGGC).
Protein change: p.Pro10_Lys16dup.
Molecular consequence: inframe insertion. On other transcripts: 5 prime UTR variant (1), non-coding transcript variant (2).
Genome position (GRCh38, 1-based): chr9:127,454,548-127,454,568, GCGGAAACCCAGTGAGGAGGC duplicated. VCF-style (leftmost placement, unchanged base first): chr9-127454547-A-AGCGGAAACCCAGTGAGGAGGC. GRCh37 (hg19) VCF-style: chr9-130216826-A-AGCGGAAACCCAGTGAGGAGGC.
Other names: c.21_41dup21 (NM_138361.5); c.21_41dup, p.Pro10_Lys16dup (NM_001005374.4, NM_001190723.3, NM_001384142.1 and 2 more transcripts); c.-764_-744dup (NM_001384144.1); c.21_41dupGCGGAAACCCAGTGAGGAGGC (NM_138361.4).
Identifiers: ClinVar variation 961151 (VCV000961151.13), dbSNP rs760944483, ClinGen allele CA5246346.